The following is an entry in ClinVar:

ClinVar aggregate classification (germline): Uncertain significance (1 of 4 stars; one submission).

Conditions:
Episodic ataxia type 2 (EA2). Also called: EPISODIC ATAXIA, NYSTAGMUS-ASSOCIATED; ATAXIA, EPISODIC, WITH NYSTAGMUS; ATAXIA, FAMILIAL PAROXYSMAL; CEREBELLAR ATAXIA, PAROXYSMAL, ACETAZOLAMIDE-RESPONSIVE; CEREBELLOPATHY, HEREDITARY PAROXYSMAL; ACETAZOLAMIDE-RESPONSIVE HEREDITARY PAROXYSMAL CEREBELLAR ATAXIA. Identifiers: Orphanet 97, MedGen C1720416, MONDO:0007163, OMIM 108500.
Developmental and epileptic encephalopathy, 42 (DEE42A). Also called: Epileptic encephalopathy, early infantile, 42; DEVELOPMENTAL AND EPILEPTIC ENCEPHALOPATHY 42A; EPILEPTIC ENCEPHALOPATHY, EARLY INFANTILE, 42A. Identifiers: MedGen C4310716, MONDO:0014917, OMIM 617106.

Submission:

Labcorp Genetics (formerly Invitae), Labcorp
Classification: Uncertain significance for Developmental and epileptic encephalopathy, 42; Episodic ataxia type 2. Last evaluated: 2022-07-26. Review status: criteria provided, single submitter. Criteria: Invitae Variant Classification Sherloc (09022015). Collection method: clinical testing. Allele origin: germline.
Comment: In summary, the available evidence is currently insufficient to determine the role of this variant in disease. Therefore, it has been classified as a Variant of Uncertain Significance. This sequence change affects codon 1232 of the CACNA1A mRNA. It is a 'silent' change, meaning that it does not change the encoded amino acid sequence of the CACNA1A protein. It affects a nucleotide within the consensus splice site. This variant is not present in population databases (gnomAD no frequency). This variant has not been reported in the literature in individuals affected with CACNA1A-related conditions. ClinVar contains an entry for this variant (Variation ID: 542817). Algorithms developed to predict the effect of sequence changes on RNA splicing suggest that this variant is not likely to affect RNA splicing.

NM_001127222.2(CACNA1A):c.3693C>G (p.Pro1231=)

Gene: CACNA1A (calcium voltage-gated channel subunit alpha1 A; minus strand). Cytogenetic location: 19p13.13.
Variant type: single nucleotide variant.
Coding change: c.3693C>G on transcript NM_001127222.2 (MANE Select); coding-DNA position 3693, C replaced by G.
Protein change: p.Pro1231=; no amino-acid change (proline 1231 retained).
Molecular consequence: synonymous variant.
Genome position (GRCh38, 1-based): chr19:13,283,396, G>C on the plus strand (C>G on the coding strand, the complement: CACNA1A is on the minus strand). VCF-style: chr19-13283396-G-C. GRCh37 (hg19) VCF-style: chr19-13394210-G-C.
Other names: c.3705C>G, p.Pro1235= (NM_000068.4, NM_023035.3); c.3696C>G, p.Pro1232= (NM_001127221.2, NM_001174080.2).
Identifiers: ClinVar variation 542817 (VCV000542817.7), dbSNP rs1555751817, ClinGen allele CA505660547.